The following is an entry in ClinVar:

NM_001165963.4(SCN1A):c.3407C>A (p.Ser1136Ter)

Genes: SCN1A (sodium voltage-gated channel alpha subunit 1; minus strand), LOC102724058 (uncharacterized LOC102724058; plus strand). Cytogenetic location: 2q24.3.
Variant type: single nucleotide variant.
Coding change: c.3407C>A on transcript NM_001165963.4 (MANE Select); coding-DNA position 3407, C replaced by A.
Protein change: p.Ser1136Ter; replaces serine 1136 with a stop codon.
Molecular consequence: nonsense. On other transcripts: non-coding transcript variant (2).
Genome position (GRCh38, 1-based): chr2:166,036,070, G>T on the plus strand (C>A on the coding strand, the complement: SCN1A is on the minus strand). VCF-style: chr2-166036070-G-T. GRCh37 (hg19) VCF-style: chr2-166892580-G-T.
Other names: c.3323C>A, p.Ser1108Ter (NM_001165964.3, NM_001353957.2, NM_001353958.2); c.3407C>A, p.Ser1136Ter (NM_001202435.3, NM_001353948.2); c.3374C>A, p.Ser1125Ter (NM_001353949.2, NM_001353950.2, NM_001353951.2 and 2 more transcripts); c.3371C>A, p.Ser1124Ter (NM_001353954.2, NM_001353955.2); c.3320C>A, p.Ser1107Ter (NM_001353960.2); c.965C>A, p.Ser322Ter (NM_001353961.2); short protein forms S1107*, S1108*, S1124*, S1125*, S1136*, S322*.
Identifiers: ClinVar variation 1074023 (VCV001074023.8), dbSNP rs746718015, ClinGen allele CA349059066.
Genomic context (GRCh38, chr2:166,036,070, plus strand): 5'-ATATGTATTCATACCTTCCCACACCTATAGAATCTTACCTCTTTGCTTTCTTCCAGATCC[G>T]ATTCACTACTAAAGTCTTCCGTGTTTAAATTTTCAAAGTCAGATTCTCCTACAGCAATTG-3'

ClinVar aggregate classification (germline): Pathogenic (1 of 4 stars; one submission).

Conditions:
Early-infantile DEE. Also called: Ohtahara syndrome; Early infantile epileptic encephalopathy with suppression bursts; Early infantile epileptic encephalopathy. Identifiers: Orphanet 1934, MedGen C0393706, MONDO:0800491.

Submission:

Labcorp Genetics (formerly Invitae), Labcorp
Classification: Pathogenic for Early-infantile DEE. Last evaluated: 2024-05-16. Review status: criteria provided, single submitter. Criteria: Invitae Variant Classification Sherloc (09022015). Collection method: clinical testing. Allele origin: germline.
Comment: This sequence change creates a premature translational stop signal (p.Ser1136*) in the SCN1A gene. It is expected to result in an absent or disrupted protein product. Loss-of-function variants in SCN1A are known to be pathogenic (PMID: 17347258, 18930999). This variant is not present in population databases (gnomAD no frequency). This variant has not been reported in the literature in individuals affected with SCN1A-related conditions. ClinVar contains an entry for this variant (Variation ID: 1074023). For these reasons, this variant has been classified as Pathogenic.

Literature cited by the submitters: PubMed 17347258; PubMed 18930999.